The following is an entry in ClinVar:

ClinVar aggregate classification (germline): Conflicting classifications of pathogenicity. Review status: criteria provided, conflicting classifications (1 of 4 stars). 4 submissions from 4 submitters: Uncertain significance (3); Likely benign (1). Last evaluated 2025-08-07.

Conditions:
PRX-related disorder. Also called: PRX-related condition; PRX-Related Disorders.
Inborn genetic diseases. Identifiers: MedGen C0950123, MeSH D030342.
Charcot-Marie-Tooth disease type 4. Also called: Charcot-Marie-Tooth disease, type IV; Charcot-Marie-Tooth, Type 4. Identifiers: Orphanet 64749, MedGen C4082197, MONDO:0018995.

Allele frequency attached by ClinVar (database versions not stated): ExAC 0.00001; gnomAD exomes 0.00001; TOPMed 0.00002; gnomAD 0.00007; ESP Exome Variant Server 0.00008.

Submissions (4):

PreventionGenetics, part of Exact Sciences
Classification: Uncertain significance for PRX-related condition. Last evaluated: 2025-08-07. Review status: criteria provided, single submitter. Criteria: ACMG Guidelines, 2015. Collection method: clinical testing. Allele origin: germline.
Comment: The PRX c.2036G>A variant is predicted to result in the amino acid substitution p.Arg679Gln. To our knowledge, this variant has not been reported in the literature. This variant is reported in 0.0031% of alleles in individuals of European (non-Finnish) descent in gnomAD. At this time, the clinical significance of this variant is uncertain due to the absence of conclusive functional and genetic evidence.

Mayo Clinic Laboratories, Mayo Clinic
Classification: Uncertain significance. Last evaluated: 2025-02-02. Review status: criteria provided, single submitter. Criteria: ACMG Guidelines, 2015. Collection method: clinical testing. Allele origin: germline. Observed: 1 variant allele.
Comment: BP4

Ambry Genetics
Classification: Likely benign for Inborn genetic diseases. Last evaluated: 2024-09-20. Review status: criteria provided, single submitter. Criteria: Ambry Variant Classification Scheme 2023. Collection method: clinical testing. Allele origin: germline.

Labcorp Genetics (formerly Invitae), Labcorp
Classification: Uncertain significance for Charcot-Marie-Tooth disease type 4. Last evaluated: 2022-06-28. Review status: criteria provided, single submitter. Criteria: Invitae Variant Classification Sherloc (09022015). Collection method: clinical testing. Allele origin: germline.
Comment: In summary, the available evidence is currently insufficient to determine the role of this variant in disease. Therefore, it has been classified as a Variant of Uncertain Significance. Algorithms developed to predict the effect of missense changes on protein structure and function output the following: SIFT: "Tolerated"; PolyPhen-2: "Benign"; Align-GVGD: "Class C0". The glutamine amino acid residue is found in multiple mammalian species, which suggests that this missense change does not adversely affect protein function. ClinVar contains an entry for this variant (Variation ID: 476956). This variant has not been reported in the literature in individuals affected with PRX-related conditions. This variant is present in population databases (rs145856805, gnomAD 0.004%). This sequence change replaces arginine, which is basic and polar, with glutamine, which is neutral and polar, at codon 679 of the PRX protein (p.Arg679Gln).

NM_181882.3(PRX):c.2036G>A (p.Arg679Gln)

Gene: PRX (periaxin; minus strand). Cytogenetic location: 19q13.2.
Variant type: single nucleotide variant.
Coding change: c.2036G>A on transcript NM_181882.3 (MANE Select); coding-DNA position 2036, G replaced by A.
Protein change: p.Arg679Gln; replaces arginine 679 with glutamine.
Molecular consequence: missense variant. On other transcripts: 3 prime UTR variant (1).
Genome position (GRCh38, 1-based): chr19:40,396,316, C>T on the plus strand (G>A on the coding strand, the complement: PRX is on the minus strand). VCF-style: chr19-40396316-C-T. GRCh37 (hg19) VCF-style: chr19-40902223-C-T.
Other names: p.Arg679Gln; c.*2241G>A (NM_020956.2); short protein forms R679Q.
Identifiers: ClinVar variation 476956 (VCV000476956.10), dbSNP rs145856805, ClinGen allele CA9444135.